The following is an entry in ClinVar:

NM_004239.4(TRIP11):c.392T>A (p.Val131Glu)

Gene: TRIP11 (thyroid hormone receptor interactor 11; minus strand). Cytogenetic location: 14q32.12.
Variant type: single nucleotide variant.
Coding change: c.392T>A on transcript NM_004239.4 (MANE Select); coding-DNA position 392, T replaced by A.
Protein change: p.Val131Glu; replaces valine 131 with glutamic acid.
Molecular consequence: missense variant.
Genome position (GRCh38, 1-based): chr14:92,021,752, A>T on the plus strand (T>A on the coding strand, the complement: TRIP11 is on the minus strand). VCF-style: chr14-92021752-A-T. GRCh37 (hg19) VCF-style: chr14-92488096-A-T.
Other names: c.389T>A, p.Val130Glu (NM_001321851.1); short protein forms V130E, V131E.
Identifiers: ClinVar variation 1443424 (VCV001443424.6), dbSNP rs778009285, ClinGen allele CA7314197.

ClinVar aggregate classification (germline): Uncertain significance (1 of 4 stars; one submission).

Conditions:
Achondrogenesis, type IA (ACG1A). Identifiers: Orphanet 932, Orphanet 93299, MedGen C0265273, MONDO:0008701, OMIM 200600.

Allele frequency attached by ClinVar (database versions not stated): ExAC 0.00001; gnomAD 0.00001; gnomAD exomes 0.00001; TOPMed 0.00001.

Submission:

Labcorp Genetics (formerly Invitae), Labcorp
Classification: Uncertain significance for Achondrogenesis, type IA. Last evaluated: 2021-09-06. Review status: criteria provided, single submitter. Criteria: Invitae Variant Classification Sherloc (09022015). Collection method: clinical testing. Allele origin: germline.
Comment: In summary, the available evidence is currently insufficient to determine the role of this variant in disease. Therefore, it has been classified as a Variant of Uncertain Significance. Algorithms developed to predict the effect of missense changes on protein structure and function are either unavailable or do not agree on the potential impact of this missense change (SIFT: "Not Available"; PolyPhen-2: "Benign"; Align-GVGD: "Not Available"). This variant has not been reported in the literature in individuals affected with TRIP11-related conditions. This variant is present in population databases (rs778009285, ExAC 0.001%). This sequence change replaces valine with glutamic acid at codon 131 of the TRIP11 protein (p.Val131Glu). The valine residue is weakly conserved and there is a moderate physicochemical difference between valine and glutamic acid.